The following is an entry in ClinVar:

ClinVar aggregate classification (germline): Conflicting classifications of pathogenicity. Review status: criteria provided, conflicting classifications (1 of 4 stars). 2 submissions from 2 submitters: Uncertain significance (1); Likely benign (1). Last evaluated 2025-04-09.

Allele frequency attached by ClinVar (database versions not stated): gnomAD exomes 0.00001; TOPMed below 0.00001; ExAC 0.00001.
gnomAD v4.1: 13 of 1,612,896 alleles (0.00081%); highest among the groups gnomAD compares: Admixed American, 0.0017%; no homozygotes.

Submissions (2):

Molecular Diagnostic Laboratory for Inherited Cardiovascular Disease, Montreal Heart Institute
Classification: Likely benign. Last evaluated: 2025-04-09. Review status: criteria provided, single submitter. Criteria: ACMG Guidelines, 2015. Collection method: clinical testing. Allele origin: germline. Affected: no.
Comment: BP1

GeneDx
Classification: Uncertain significance. Last evaluated: 2019-03-21. Review status: criteria provided, single submitter. Criteria: GeneDx Variant Classification Process June 2021. Collection method: clinical testing. Allele origin: germline. Affected: yes.
Comment: Has not been previously published as pathogenic or benign to our knowledge; Not observed at a significant frequency in large population cohorts (Lek et al., 2016); In silico analysis, which includes splice predictors and evolutionary conservation, supports that this variant does not alter protein structure/function; Not located in the A-band nor the M-line region of titin, where the majority of pathogenic truncating variants have been reported; Missense variant in a gene in which most reported pathogenic variants are truncating/loss-of-function

NM_001267550.2(TTN):c.42153A>C (p.Glu14051Asp)

Gene: TTN (titin; minus strand). Cytogenetic location: 2q31.2.
Variant type: single nucleotide variant.
Coding change: c.42153A>C on transcript NM_001267550.2 (MANE Select); coding-DNA position 42153, A replaced by C.
Protein change: p.Glu14051Asp; replaces glutamic acid 14051 with aspartic acid.
Molecular consequence: missense variant.
Genome position (GRCh38, 1-based): chr2:178,634,628, T>G on the plus strand (A>C on the coding strand, the complement: TTN is on the minus strand). VCF-style: chr2-178634628-T-G. GRCh37 (hg19) VCF-style: chr2-179499355-T-G.
Other names: c.37230A>C, p.Glu12410Asp (NM_001256850.1); c.14958A>C, p.Glu4986Asp (NM_003319.4); c.34449A>C, p.Glu11483Asp (NM_133378.4); c.15333A>C, p.Glu5111Asp (NM_133432.3); c.15534A>C, p.Glu5178Asp (NM_133437.4); short protein forms E11483D, E12410D, E14051D, E4986D, E5111D, E5178D.
Identifiers: ClinVar variation 1308231 (VCV001308231.3), dbSNP rs754144189, ClinGen allele CA1996129.